The following is an entry in ClinVar:

ClinVar aggregate classification (germline): Conflicting classifications of pathogenicity. Review status: criteria provided, conflicting classifications (1 of 4 stars). 6 submissions from 5 submitters: Uncertain significance (3); Benign (1); Likely benign (1). 1 of the submissions does not count toward it. Last evaluated 2025-12-04.

Conditions:
Adams-Oliver syndrome 5 (AOS5). Identifiers: Orphanet 974, MedGen C4014970, MONDO:0014459, OMIM 616028.
Aortic valve disease 1 (AOVD1). Identifiers: MedGen C3887892, MONDO:0024523, OMIM 109730.
Familial thoracic aortic aneurysm and aortic dissection (TAAD). Also called: Thoracic aortic aneurysms and dissections. Identifiers: Orphanet 91387, MedGen C4707243, MONDO:0019625.

Allele frequency attached by ClinVar (database versions not stated): gnomAD exomes 0.00003 and 0.00010; ExAC 0.00004; gnomAD 0.00005 and 0.00006; TOPMed 0.00005; ESP Exome Variant Server 0.00008.
gnomAD v4.1: 155 of 1,607,970 alleles (0.0096%); highest among the groups gnomAD compares: Non-Finnish European, 0.013%; no homozygotes.

Submissions (6):

Ambry Genetics
Classification: Likely benign for Familial thoracic aortic aneurysm and aortic dissection. Last evaluated: 2025-12-04. Review status: criteria provided, single submitter. Criteria: Ambry Variant Classification Scheme 2023. Collection method: clinical testing. Allele origin: germline.

Labcorp Genetics (formerly Invitae), Labcorp
Classification: Benign for Adams-Oliver syndrome 5. Last evaluated: 2025-12-01. Review status: criteria provided, single submitter. Criteria: Invitae Variant Classification Sherloc (09022015). Collection method: clinical testing. Allele origin: germline.

Genome-Nilou Lab
Classification: Uncertain significance for Adams-Oliver syndrome 5. Last evaluated: 2022-03-15. Review status: criteria provided, single submitter. Criteria: ACMG Guidelines, 2015. Collection method: clinical testing. Allele origin: germline. Affected: no.

Genome-Nilou Lab
Classification: Uncertain significance for Aortic valve disease 1. Last evaluated: 2022-03-15. Review status: criteria provided, single submitter. Criteria: ACMG Guidelines, 2015. Collection method: clinical testing. Allele origin: germline. Affected: no.

Fulgent Genetics
Classification: Uncertain significance for Aortic valve disease 1; Adams-Oliver syndrome 5. Last evaluated: 2021-07-20. Review status: criteria provided, single submitter. Criteria: ACMG Guidelines, 2015. Collection method: clinical testing. Allele origin: unknown.

ITMI
No classification provided. Condition: AllHighlyPenetrant. Last evaluated: 2013-09-19. Review status: no classification provided. Collection method: reference population. Allele origin: germline. Not counted in ClinVar's aggregate classification.
Comment: Please see associated publication for description of ethnicities

Literature cited by the submitters: PubMed 24728327 (cited by ITMI).

NM_017617.5(NOTCH1):c.3338C>T (p.Ala1113Val)

Gene: NOTCH1 (notch receptor 1; minus strand). Cytogenetic location: 9q34.3.
Variant type: single nucleotide variant.
Coding change: c.3338C>T on transcript NM_017617.5 (MANE Select); coding-DNA position 3338, C replaced by T.
Protein change: p.Ala1113Val; replaces alanine 1113 with valine.
Molecular consequence: missense variant.
Genome position (GRCh38, 1-based): chr9:136,508,127, G>A on the plus strand (C>T on the coding strand, the complement: NOTCH1 is on the minus strand). VCF-style: chr9-136508127-G-A. GRCh37 (hg19) VCF-style: chr9-139402579-G-A.
Other names: c.3338C>T, p.Ala1113Val (LRG_1122t1); short protein forms A1113V.
Identifiers: ClinVar variation 134927 (VCV000134927.18), dbSNP rs377351349, ClinGen allele CA161181.